The following is an entry in ClinVar:

NM_001367721.1(CASK):c.1807-4A>T

Gene: CASK (calcium/calmodulin dependent serine protein kinase; minus strand). Cytogenetic location: Xp11.4.
Variant type: single nucleotide variant.
Coding change: c.1807-4A>T on transcript NM_001367721.1 (MANE Select); 4 bases into the intron before coding-DNA position 1807, A replaced by T.
Molecular consequence: intron variant.
Genome position (GRCh38, 1-based): chrX:41,555,639, T>A on the plus strand (A>T on the coding strand, the complement: CASK is on the minus strand). VCF-style: chrX-41555639-T-A. GRCh37 (hg19) VCF-style: chrX-41414892-T-A.
Other names: c.1720-4A>T (NM_001126055.3); c.1789-4A>T (NM_001410745.1); c.1738-4A>T (NM_001126054.3); c.1807-4A>T (NM_003688.4).
Identifiers: ClinVar variation 2005359 (VCV002005359.4), dbSNP rs761402580, ClinGen allele CA2580100876.

ClinVar aggregate classification (germline): Uncertain significance (1 of 4 stars; one submission).

Conditions:
Intellectual disability, CASK-related, X-linked. Identifiers: MedGen CN043158.

Submission:

Labcorp Genetics (formerly Invitae), Labcorp
Classification: Uncertain significance for Intellectual disability, CASK-related, X-linked. Last evaluated: 2023-04-19. Review status: criteria provided, single submitter. Criteria: Invitae Variant Classification Sherloc (09022015). Collection method: clinical testing. Allele origin: germline.
Comment: In summary, the available evidence is currently insufficient to determine the role of this variant in disease. Therefore, it has been classified as a Variant of Uncertain Significance. Algorithms developed to predict the effect of sequence changes on RNA splicing suggest that this variant may disrupt the consensus splice site. ClinVar contains an entry for this variant (Variation ID: 2005359). This variant has not been reported in the literature in individuals affected with CASK-related conditions. This variant is not present in population databases (gnomAD no frequency). This sequence change falls in intron 19 of the CASK gene. It does not directly change the encoded amino acid sequence of the CASK protein.